The following is an entry in ClinVar:

NM_001379500.1(COL18A1):c.2787C>T (p.Gly929=)

Genes: COL18A1 (collagen type XVIII alpha 1 chain; plus strand), SLC19A1 (solute carrier family 19 member 1; minus strand). Cytogenetic location: 21q22.3.
Variant type: single nucleotide variant.
Coding change: c.2787C>T on transcript NM_001379500.1 (MANE Select); coding-DNA position 2787, C replaced by T.
Protein change: p.Gly929=; no amino-acid change (glycine 929 retained).
Molecular consequence: synonymous variant.
Genome position (GRCh38, 1-based): chr21:45,504,475, C>T. VCF-style: chr21-45504475-C-T. GRCh37 (hg19) VCF-style: chr21-46924389-C-T.
Other names: NM_130445.2:c.2787C>T; c.3327C>T, p.Gly1109= (NM_030582.4); c.4032C>T, p.Gly1344= (NM_130444.3).
Identifiers: ClinVar variation 340256 (VCV000340256.16), dbSNP rs11544971, ClinGen allele CA10067469.

ClinVar aggregate classification (germline): Benign/Likely benign. Review status: criteria provided, multiple submitters, no conflicts (2 of 4 stars). 5 submissions from 5 submitters: Benign (4); Likely benign (1). Last evaluated 2026-02-03.

Conditions:
Knobloch syndrome (KNO). Also called: RETINAL DETACHMENT AND OCCIPITAL ENCEPHALOCELE; Myopia retinal detachment encephalocele. Identifiers: Orphanet 1571, MedGen C1849409, MONDO:0800166.

Allele frequency attached by ClinVar (database versions not stated): 1000 Genomes Project 0.01118; 1000 Genomes Project 30x 0.01234; ExAC 0.01310; gnomAD exomes 0.01369 and 0.01608; ESP Exome Variant Server 0.01375; gnomAD 0.01429 and 0.01462; TOPMed 0.01525.
gnomAD v4.1: 25,554 of 1,606,552 alleles (1.6%); highest among the groups gnomAD compares: Non-Finnish European, 1.8%; 238 homozygotes.

Submissions (5):

Labcorp Genetics (formerly Invitae), Labcorp
Classification: Benign. Last evaluated: 2026-02-03. Review status: criteria provided, single submitter. Criteria: Invitae Variant Classification Sherloc (09022015). Collection method: clinical testing. Allele origin: germline.

Blueprint Genetics
Classification: Benign. Last evaluated: 2024-11-28. Review status: criteria provided, single submitter. Criteria: ACMG Guidelines, 2015. Collection method: clinical testing. Allele origin: germline.

GeneDx
Classification: Likely benign. Last evaluated: 2021-05-05. Review status: criteria provided, single submitter. Criteria: GeneDx Variant Classification Process June 2021. Collection method: clinical testing. Allele origin: germline. Affected: yes.
Comment: See Variant Classification Assertion Criteria.

Illumina Laboratory Services, Illumina
Classification: Benign for Knobloch syndrome 1. Last evaluated: 2018-01-13. Review status: criteria provided, single submitter. Criteria: ICSL Variant Classification Criteria 13 December 2019. Collection method: clinical testing. Allele origin: germline.
Comment: This variant was observed in the ICSL laboratory as part of a predisposition screen in an ostensibly healthy population. It had not been previously curated by ICSL or reported in the Human Gene Mutation Database (HGMD: prior to June 1st, 2018), and was therefore a candidate for classification through an automated scoring system. Utilizing variant allele frequency, disease prevalence and penetrance estimates, and inheritance mode, an automated score was calculated to assess if this variant is too frequent to cause the disease. Based on the score and internal cut-off values, a variant classified as benign is not then subjected to further curation. The score for this variant resulted in a classification of benign for this disease.

Breakthrough Genomics
Classification: Benign. Review status: criteria provided, single submitter. Criteria: ACMG Guidelines, 2015. Collection method: not provided. Allele origin: germline. Inheritance: Autosomal recessive inheritance. Affected: yes.